The following is an entry in ClinVar:

NM_002880.4(RAF1):c.66T>G (p.Phe22Leu)

Gene: RAF1 (Raf-1 proto-oncogene, serine/threonine kinase; minus strand). Cytogenetic location: 3p25.2.
Variant type: single nucleotide variant.
Coding change: c.66T>G on transcript NM_002880.4 (MANE Select); coding-DNA position 66, T replaced by G.
Protein change: p.Phe22Leu; replaces phenylalanine 22 with leucine.
Molecular consequence: missense variant. On other transcripts: 5 prime UTR variant (4), non-coding transcript variant (3).
Genome position (GRCh38, 1-based): chr3:12,618,656, A>C on the plus strand (T>G on the coding strand, the complement: RAF1 is on the minus strand). VCF-style: chr3-12618656-A-C. GRCh37 (hg19) VCF-style: chr3-12660155-A-C.
Other names: NM_002880.3(RAF1):c.66T>G; c.66T>G, p.Phe22Leu (NM_001354689.3, NM_001354690.3, NM_001354693.3); c.-65T>G (NM_001354691.3, NM_001354692.3, NM_001354694.3 and 1 more transcripts); short protein forms F22L.
Identifiers: ClinVar variation 40583 (VCV000040583.17), dbSNP rs397516824, ClinGen allele CA134746.
Genomic context (GRCh38, chr3:12,618,656, plus strand): 5'-TGCCCGGCGCTGATAGCCAAACTGCTGAACTATTGTAGGAGAGATGCAGCTGGAGCCATC[A>C]AACACGGCATCTTTGAATCCAAAACCATTGCTGATCGTCTTCCAAGCTCCCTGTATGTGC-3'
Protein context (NP_002871.1, residues 12-32): SNGFGFKDAV[Phe22Leu]DGSSCISPTI

ClinVar aggregate classification (germline): Likely benign. Review status: reviewed by expert panel (3 of 4 stars). 5 submissions from 5 submitters: Likely benign (1). 4 of the submissions do not count toward it. Last evaluated 2017-04-03.

Conditions:
Cardiovascular phenotype. Identifiers: MedGen CN230736.
RAF1-related disorder. Also called: RAF1-related disorders; RAF1-related condition.
RASopathy. Also called: rasopathies; Noonan spectrum disorder. Identifiers: Orphanet 536391, MedGen C5555857, MONDO:0021060.

Allele frequency attached by ClinVar (database versions not stated): TOPMed 0.00002; ExAC 0.00004; gnomAD 0.00005 and 0.00006; gnomAD exomes 0.00006 and 0.00013.
gnomAD v4.1: 199 of 1,614,116 alleles (0.012%); highest among the groups gnomAD compares: Non-Finnish European, 0.017%; 1 homozygote.

Submissions (5):

ClinGen RASopathy Variant Curation Expert Panel
Classification: Likely benign for Noonan syndrome and Noonan-related syndrome. Last evaluated: 2017-04-03. Review status: reviewed by expert panel. Criteria: ClinGen RASopathy ACMG Specifications v1. Collection method: curation. Allele origin: germline. Inheritance: Autosomal dominant inheritance.
Comment: The c.66T>G (p.Phe22Leu) variant has been identified in patients with clinical features of a RASopathy, however the variant did not segregate with disease in affected family members (BS4; GeneDx, Partners LMM, Invitae internal data GTR ID's: 26957, 21766, 500031; ClinVar SCV000218672.4; SCV000061358.5). This variant has been identified in a patient with an alternate molecular basis for disease (BP5; LMM internal data; SCV000061358.5). In summary, this variant meets criteria to be classified as likely benign. RASopathy-specific ACMG/AMP criteria applied (PMID:29493581): BS4, BP5.

Labcorp Genetics (formerly Invitae), Labcorp
Classification: Uncertain significance for RASopathy. Last evaluated: 2025-12-15. Review status: criteria provided, single submitter. Criteria: Invitae Variant Classification Sherloc (09022015). Collection method: clinical testing. Allele origin: germline. Not counted in ClinVar's aggregate classification.
Comment: This sequence change replaces phenylalanine, which is neutral and non-polar, with leucine, which is neutral and non-polar, at codon 22 of the RAF1 protein (p.Phe22Leu). This variant is present in population databases (rs397516824, gnomAD 0.01%). This missense change has been observed in individual(s) with Noonan syndrome (internal data). ClinVar contains an entry for this variant (Variation ID: 40583). Invitae Evidence Modeling of protein sequence and biophysical properties (such as structural, functional, and spatial information, amino acid conservation, physicochemical variation, residue mobility, and thermodynamic stability) indicates that this missense variant is not expected to disrupt RAF1 protein function with a negative predictive value of 95%. In summary, the available evidence is currently insufficient to determine the role of this variant in disease. Therefore, it has been classified as a Variant of Uncertain Significance.

Ambry Genetics
Classification: Likely benign for Cardiovascular phenotype. Last evaluated: 2023-08-29. Review status: criteria provided, single submitter. Criteria: Ambry Variant Classification Scheme 2023. Collection method: clinical testing. Allele origin: germline. Not counted in ClinVar's aggregate classification.

Laboratory for Molecular Medicine, Mass General Brigham Personalized Medicine
Classification: Likely benign. Last evaluated: 2016-02-10. Review status: criteria provided, single submitter. Criteria: LMM Criteria. Collection method: clinical testing. Allele origin: germline. Observed: 1 variant allele. Not counted in ClinVar's aggregate classification.
Comment: proposed classification - variant undergoing re-assessment, contact laboratory

PreventionGenetics, part of Exact Sciences
Classification: Likely benign for RAF1-related condition. Last evaluated: 2020-08-20. Review status: no assertion criteria provided. Collection method: clinical testing. Allele origin: germline. Not counted in ClinVar's aggregate classification.
Comment: This variant is classified as likely benign based on ACMG/AMP sequence variant interpretation guidelines (Richards et al. 2015 PMID: 25741868, with internal and published modifications).

Literature cited by the submitters: PubMed 30531895 (cited by Ambry Genetics).